The following is an entry in ClinVar:

ClinVar aggregate classification (germline): Uncertain significance (1 of 4 stars; one submission).

Conditions:
Beckwith-Wiedemann syndrome (BWS). Also called: Exomphalos macroglossia gigantism syndrome; EMG SYNDROME. Identifiers: Orphanet 116, MedGen C0004903, MONDO:0007534, OMIM 130650.

Submission:

Labcorp Genetics (formerly Invitae), Labcorp
Classification: Uncertain significance for Beckwith-Wiedemann syndrome. Last evaluated: 2023-07-29. Review status: criteria provided, single submitter. Criteria: Invitae Variant Classification Sherloc (09022015). Collection method: clinical testing. Allele origin: germline.
Comment: Advanced modeling of protein sequence and biophysical properties (such as structural, functional, and spatial information, amino acid conservation, physicochemical variation, residue mobility, and thermodynamic stability) performed at Invitae indicates that this missense variant is not expected to disrupt CDKN1C protein function. This variant has not been reported in the literature in individuals affected with CDKN1C-related conditions. This variant is not present in population databases (gnomAD no frequency). This sequence change replaces glutamine, which is neutral and polar, with glutamic acid, which is acidic and polar, at codon 309 of the CDKN1C protein (p.Gln309Glu). In summary, the available evidence is currently insufficient to determine the role of this variant in disease. Therefore, it has been classified as a Variant of Uncertain Significance.

NM_001122630.2(CDKN1C):c.892C>G (p.Gln298Glu)

Gene: CDKN1C (cyclin dependent kinase inhibitor 1C; minus strand). Cytogenetic location: 11p15.4.
Variant type: single nucleotide variant.
Coding change: c.892C>G on transcript NM_001122630.2 (MANE Select); coding-DNA position 892, C replaced by G.
Protein change: p.Gln298Glu; replaces glutamine 298 with glutamic acid.
Molecular consequence: missense variant.
Genome position (GRCh38, 1-based): chr11:2,884,030, G>C on the plus strand (C>G on the coding strand, the complement: CDKN1C is on the minus strand). VCF-style: chr11-2884030-G-C. GRCh37 (hg19) VCF-style: chr11-2905260-G-C.
Other names: c.925C>G, p.Gln309Glu (NM_000076.2, NM_001362474.2); c.892C>G, p.Gln298Glu (NM_001122631.2); c.360C>G, p.Ser120Arg (NM_001362475.2); short protein forms Q298E, S120R, Q309E.
Identifiers: ClinVar variation 2748096 (VCV002748096.3), dbSNP rs2494379496, ClinGen allele CA379144728.
Genomic context (GRCh38, chr11:2,884,030, plus strand): 5'-CCGCGCCCCCCCAGGTGCGCTGTACTCACTTGGCTCACCGCAGCCTCTTGCGCGGGGTCT[G>C]CTCCACCGAGCCCACGCCAGGGGCGGCGCTTGGAGAGGGACACGGCGCGGGGACATCGCC-3'
Protein context (NP_001116102.1, residues 288-305): SAAPGVGSVE[Gln298Glu]TPRKRLR